The following is an entry in ClinVar:

ClinVar aggregate classification (germline): Benign (1 of 4 stars; one submission).

Allele frequency attached by ClinVar (database versions not stated): gnomAD 0.09163 and 0.09798; TOPMed 0.10306; 1000 Genomes Project 0.11242; 1000 Genomes Project 30x 0.11914.
gnomAD v4.1: 13,813 of 152,076 alleles (9.1%); highest among the groups gnomAD compares: African/African-American, 31%; 2,023 homozygotes.

Submission:

GeneDx
Classification: Benign. Last evaluated: 2018-06-16. Review status: criteria provided, single submitter. Criteria: GeneDx Variant Classification (06012015). Collection method: clinical testing. Allele origin: germline. Affected: yes.
Comment: This variant is considered likely benign or benign based on one or more of the following criteria: it is a conservative change, it occurs at a poorly conserved position in the protein, it is predicted to be benign by multiple in silico algorithms, and/or has population frequency not consistent with disease.

NM_018122.5(DARS2):c.228-245T>C

Gene: DARS2 (aspartyl-tRNA synthetase 2, mitochondrial; plus strand). Cytogenetic location: 1q25.1.
Variant type: single nucleotide variant.
Coding change: c.228-245T>C on transcript NM_018122.5 (MANE Select); 245 bases into the intron before coding-DNA position 228, T replaced by C.
Molecular consequence: intron variant.
Genome position (GRCh38, 1-based): chr1:173,828,088, T>C. VCF-style: chr1-173828088-T-C. GRCh37 (hg19) VCF-style: chr1-173797226-T-C.
Other names: c.228-245T>C (NM_001365212.1, NM_001365213.2).
Identifiers: ClinVar variation 673680 (VCV000673680.1), dbSNP rs7552840, ClinGen allele CA32765482.
Genomic context (GRCh38, chr1:173,828,088, plus strand): 5'-ATAATAATTTTTCATTAATAAGCCATCTGTATAAGATTAATATACCAGGTAAGTAGACAA[T>C]AAAAATTGAAACTGAAATAAAAAACAATCTTTTTTTTGGCAATGAGCTACATAGATAACA-3'